The following is an entry in ClinVar:

ClinVar aggregate classification (germline): Uncertain significance (1 of 4 stars; one submission).

gnomAD v4.1: 1 of 1,613,312 alleles (0.000062%); highest among the groups gnomAD compares: Non-Finnish European, 0.000085%; no homozygotes.

Submission:

Labcorp Genetics (formerly Invitae), Labcorp
Classification: Uncertain significance. Last evaluated: 2025-11-09. Review status: criteria provided, single submitter. Criteria: Invitae Variant Classification Sherloc (09022015). Collection method: clinical testing. Allele origin: germline.
Comment: This sequence change falls in intron 3 of the MBD4 gene. It does not directly change the encoded amino acid sequence of the MBD4 protein. It affects a nucleotide within the consensus splice site. This variant is not present in population databases (gnomAD no frequency). This variant has not been reported in the literature in individuals affected with MBD4-related conditions. ClinVar contains an entry for this variant (Variation ID: 3724728). Variants that disrupt the consensus splice site are a relatively common cause of aberrant splicing (PMID: 17576681, 9536098). Algorithms developed to predict the effect of sequence changes on RNA splicing suggest that this variant is not likely to affect RNA splicing. In summary, the available evidence is currently insufficient to determine the role of this variant in disease. Therefore, it has been classified as a Variant of Uncertain Significance.

Literature cited by the submitters: PubMed 17576681; PubMed 9536098.

NM_001276270.2(MBD4):c.1183+24C>A

Gene: MBD4 (methyl-CpG binding domain 4, DNA glycosylase; minus strand). Cytogenetic location: 3q21.3.
Variant type: single nucleotide variant.
Coding change: c.1183+24C>A on transcript NM_001276270.2 (MANE Select); 24 bases into the intron after coding-DNA position 1183, C replaced by A.
Molecular consequence: intron variant.
Genome position (GRCh38, 1-based): chr3:129,436,437, G>T on the plus strand (C>A on the coding strand, the complement: MBD4 is on the minus strand). VCF-style: chr3-129436437-G-T. GRCh37 (hg19) VCF-style: chr3-129155280-G-T.
Other names: c.247+1371C>A (NM_001276273.2); c.1201+6C>A (NM_001276272.2, NM_003925.3, NM_001276271.2).
Identifiers: ClinVar variation 3724728 (VCV003724728.2).